The following is an entry in ClinVar:

NM_006269.2(RP1):c.3766T>C (p.Cys1256Arg)

Gene: RP1 (RP1 axonemal microtubule associated; plus strand). Cytogenetic location: 8q12.1.
Variant type: single nucleotide variant.
Coding change: c.3766T>C on transcript NM_006269.2 (MANE Select); coding-DNA position 3766, T replaced by C.
Protein change: p.Cys1256Arg; replaces cysteine 1256 with arginine.
Molecular consequence: missense variant. On other transcripts: intron variant (1).
Genome position (GRCh38, 1-based): chr8:54,627,648, T>C. VCF-style: chr8-54627648-T-C. GRCh37 (hg19) VCF-style: chr8-55540208-T-C.
Other names: c.787+5360T>C (NM_001375654.1); short protein forms C1256R.
Identifiers: ClinVar variation 3695142 (VCV003695142.2).

ClinVar aggregate classification (germline): Uncertain significance (1 of 4 stars; one submission).

gnomAD v4.1: 1 of 1,614,212 alleles (0.000062%); no homozygotes.

Submission:

Labcorp Genetics (formerly Invitae), Labcorp
Classification: Uncertain significance. Last evaluated: 2025-01-23. Review status: criteria provided, single submitter. Criteria: Invitae Variant Classification Sherloc (09022015). Collection method: clinical testing. Allele origin: germline.
Comment: This sequence change replaces cysteine, which is neutral and slightly polar, with arginine, which is basic and polar, at codon 1256 of the RP1 protein (p.Cys1256Arg). This variant is not present in population databases (gnomAD no frequency). This variant has not been reported in the literature in individuals affected with RP1-related conditions. An algorithm developed to predict the effect of missense changes on protein structure and function outputs the following: PolyPhen-2: "Benign". The arginine amino acid residue is found in multiple mammalian species, which suggests that this missense change does not adversely affect protein function. In summary, the available evidence is currently insufficient to determine the role of this variant in disease. Therefore, it has been classified as a Variant of Uncertain Significance.